The following is an entry in ClinVar:

ClinVar aggregate classification (germline): Likely pathogenic (1 of 4 stars; one submission).

Conditions:
FLNC-related disorder. Also called: FLNC-related condition; FLNC-related disorders.

Submission:

Rady Children's Institute for Genomic Medicine, Rady Children's Hospital San Diego
Classification: Likely pathogenic for FLNC-Related Disorders. Last evaluated: 2024-09-17. Review status: criteria provided, single submitter. Criteria: ACMG Guidelines, 2015. Collection method: clinical testing. Allele origin: germline. Affected: yes.
Comment: This variant affects the canonical splice acceptor site of intron 14 and is therefore predicted to interfere with splicing and result in loss of normal protein function through either protein truncation or nonsense-mediated mRNA decay. Loss-of-function variation in FLNC is an established mechanism of disease (PMID: 28436997). This variant has not been previously reported or functionally characterized in the literature to our knowledge; however, a different cannonical splice variant at this position, c.2266, has been reported as a heterozygous change in an individual with dilated cardiomyopathy (PMID: 28436997). The c.2266-1G>A variant is absent from the latest version of the gnomAD population database and thus is presumed to be rare. Based on the available evidence, c.2266-1G>A is classified as Likely Pathogenic.

NM_001458.5(FLNC):c.2266-1G>A

Gene: FLNC (filamin C; plus strand). Cytogenetic location: 7q32.1.
Variant type: single nucleotide variant.
Coding change: c.2266-1G>A on transcript NM_001458.5 (MANE Select); the canonical splice acceptor site of the intron before coding-DNA position 2266, G replaced by A.
Molecular consequence: splice acceptor variant.
Genome position (GRCh38, 1-based): chr7:128,842,574, G>A. VCF-style: chr7-128842574-G-A. GRCh37 (hg19) VCF-style: chr7-128482628-G-A.
Other names: c.2266-1G>A (NM_001127487.2).
Identifiers: ClinVar variation 3773831 (VCV003773831.1).